The following is an entry in ClinVar:

NM_000238.4(KCNH2):c.2339A>T (p.Tyr780Phe)

Gene: KCNH2 (potassium voltage-gated channel subfamily H member 2; minus strand). Cytogenetic location: 7q36.1.
Variant type: single nucleotide variant.
Coding change: c.2339A>T on transcript NM_000238.4 (MANE Select); coding-DNA position 2339, A replaced by T.
Protein change: p.Tyr780Phe; replaces tyrosine 780 with phenylalanine.
Molecular consequence: missense variant. On other transcripts: non-coding transcript variant (2).
Genome position (GRCh38, 1-based): chr7:150,950,227, T>A on the plus strand (A>T on the coding strand, the complement: KCNH2 is on the minus strand). VCF-style: chr7-150950227-T-A. GRCh37 (hg19) VCF-style: chr7-150647315-T-A.
Other names: c.1319A>T, p.Tyr440Phe (NM_001204798.2, NM_172057.3); c.2051A>T, p.Tyr684Phe (NM_001406753.1, NM_001406756.1); c.2162A>T, p.Tyr721Phe (NM_001406755.1); c.2039A>T, p.Tyr680Phe (NM_001406757.1); c.2339A>T, p.Tyr780Phe (NM_172056.3); short protein forms Y680F, Y684F, Y780F, Y440F, Y721F.
Identifiers: ClinVar variation 3725010 (VCV003725010.2).

ClinVar aggregate classification (germline): Uncertain significance (1 of 4 stars; one submission).

Conditions:
Long QT syndrome (LQTS). Identifiers: MedGen C0023976, MeSH D008133, MONDO:0002442. Disease mechanism: loss of function. Inheritance: Various modes of inheritance.

Submission:

Labcorp Genetics (formerly Invitae), Labcorp
Classification: Uncertain significance for Long QT syndrome. Last evaluated: 2025-03-04. Review status: criteria provided, single submitter. Criteria: Invitae Variant Classification Sherloc (09022015). Collection method: clinical testing. Allele origin: germline.
Comment: This sequence change replaces tyrosine, which is neutral and polar, with phenylalanine, which is neutral and non-polar, at codon 780 of the KCNH2 protein (p.Tyr780Phe). This variant is not present in population databases (gnomAD no frequency). This variant has not been reported in the literature in individuals affected with KCNH2-related conditions. An algorithm developed to predict the effect of missense changes on protein structure and function (PolyPhen-2) suggests that this variant is likely to be disruptive. In summary, the available evidence is currently insufficient to determine the role of this variant in disease. Therefore, it has been classified as a Variant of Uncertain Significance.